The following is an entry in ClinVar:

NM_024809.5(TCTN2):c.94C>T (p.Pro32Ser)

Gene: TCTN2 (tectonic family member 2; plus strand). Cytogenetic location: 12q24.31.
Variant type: single nucleotide variant.
Coding change: c.94C>T on transcript NM_024809.5 (MANE Select); coding-DNA position 94, C replaced by T.
Protein change: p.Pro32Ser; replaces proline 32 with serine.
Molecular consequence: missense variant.
Genome position (GRCh38, 1-based): chr12:123,671,518, C>T. VCF-style: chr12-123671518-C-T. GRCh37 (hg19) VCF-style: chr12-124156065-C-T.
Other names: c.94C>T, p.Pro32Ser (NM_001143850.3); short protein forms P32S.
Identifiers: ClinVar variation 1422672 (VCV001422672.8), dbSNP rs2135813593, ClinGen allele CA387154984.
Genomic context (GRCh38, chr12:123,671,518, plus strand): 5'-TGATTCTTCCACTGCTAACCCCTCCTTGTCCCCTTTCCTTCCCGCCTAGCTTTCATCCCT[C>T]CTTTTATCCGAATGTCCGGCCCTGCGGTCAGCGCGTCCCTGGTCGGAGACACCGAGGGTG-3'
Protein context (NP_079085.2, residues 22-42): LLWGDLAFIP[Pro32Ser]FIRMSGPAVS

ClinVar aggregate classification (germline): Uncertain significance (1 of 4 stars; one submission).

Conditions:
Joubert syndrome. Also called: CEREBELLOPARENCHYMAL DISORDER IV; JOUBERT-BOLTSHAUSER SYNDROME; Familial aplasia of the vermis. Identifiers: Orphanet 475, MedGen C5979921, MONDO:0018772.
Meckel-Gruber syndrome. Also called: DYSENCEPHALIA SPLANCHNOCYSTICA; GRUBER SYNDROME; Dysencephalia splachnocystica. Identifiers: Orphanet 564, MedGen C0265215, MONDO:0018921.

Submission:

Labcorp Genetics (formerly Invitae), Labcorp
Classification: Uncertain significance for Joubert syndrome; Meckel-Gruber syndrome. Last evaluated: 2022-02-04. Review status: criteria provided, single submitter. Criteria: Invitae Variant Classification Sherloc (09022015). Collection method: clinical testing. Allele origin: germline.
Comment: Algorithms developed to predict the effect of missense changes on protein structure and function output the following: SIFT: "Tolerated"; PolyPhen-2: "Benign"; Align-GVGD: "Class C0". The serine amino acid residue is found in multiple mammalian species, which suggests that this missense change does not adversely affect protein function. In summary, the available evidence is currently insufficient to determine the role of this variant in disease. Therefore, it has been classified as a Variant of Uncertain Significance. This variant has not been reported in the literature in individuals affected with TCTN2-related conditions. This variant is not present in population databases (gnomAD no frequency). This sequence change replaces proline, which is neutral and non-polar, with serine, which is neutral and polar, at codon 32 of the TCTN2 protein (p.Pro32Ser).